The following is an entry in ClinVar:

ClinVar aggregate classification (germline): Uncertain significance (1 of 4 stars; one submission).

Submission:

GeneDx
Classification: Uncertain significance. Last evaluated: 2026-03-20. Review status: criteria provided, single submitter. Criteria: GeneDx Variant Classification Process June 2021. Collection method: clinical testing. Allele origin: germline.
Comment: Not observed at significant frequency in large population cohorts (gnomAD); In silico analysis suggests that this missense variant does not alter protein structure/function; Has not been previously published as pathogenic or benign to our knowledge

NM_030665.4(RAI1):c.922C>G (p.Leu308Val)

Gene: RAI1 (retinoic acid induced 1; plus strand). Cytogenetic location: 17p11.2.
Variant type: single nucleotide variant.
Coding change: c.922C>G on transcript NM_030665.4 (MANE Select); coding-DNA position 922, C replaced by G.
Protein change: p.Leu308Val; replaces leucine 308 with valine.
Molecular consequence: missense variant.
Genome position (GRCh38, 1-based): chr17:17,793,870, C>G. VCF-style: chr17-17793870-C-G. GRCh37 (hg19) VCF-style: chr17-17697184-C-G.
Other names: short protein forms L308V.
Identifiers: ClinVar variation 4975152 (VCV004975152.1).